The following is an entry in ClinVar:

NM_000275.3(OCA2):c.1015G>A (p.Ala339Thr)

Gene: OCA2 (OCA2 melanosomal transmembrane protein; minus strand). Cytogenetic location: 15q13.1.
Variant type: single nucleotide variant.
Coding change: c.1015G>A on transcript NM_000275.3 (MANE Select); coding-DNA position 1015, G replaced by A.
Protein change: p.Ala339Thr; replaces alanine 339 with threonine.
Molecular consequence: missense variant.
Genome position (GRCh38, 1-based): chr15:28,014,805, C>T on the plus strand (G>A on the coding strand, the complement: OCA2 is on the minus strand). VCF-style: chr15-28014805-C-T. GRCh37 (hg19) VCF-style: chr15-28259951-C-T.
Other names: c.1015G>A, p.Ala339Thr (NM_001300984.2); short protein forms A339T.
Identifiers: ClinVar variation 1512121 (VCV001512121.6), dbSNP rs148468031, ClinGen allele CA7439262.
Genomic context (GRCh38, chr15:28,014,805, plus strand): 5'-GACAGATCGGGGGAGCAGGTGTGAAAGTTACCTCAAATATGATCAGCGCGTAGACGCCCG[C>T]GAGGATGGCCGTCGCGATGGTCACCTGGGTTTCTACACTTCCGCGGAGGTACTGATGAGC-3'
Protein context (NP_000266.2, residues 329-349): TQVTIATAIL[Ala339Thr]GVYALIIFEI

ClinVar aggregate classification (germline): Uncertain significance (1 of 4 stars; one submission).

gnomAD v4.1: 16 of 1,613,832 alleles (0.00099%); highest among the groups gnomAD compares: African/African-American, 0.011%; no homozygotes.

Submission:

Labcorp Genetics (formerly Invitae), Labcorp
Classification: Uncertain significance. Last evaluated: 2025-02-10. Review status: criteria provided, single submitter. Criteria: Invitae Variant Classification Sherloc (09022015). Collection method: clinical testing. Allele origin: germline.
Comment: This sequence change replaces alanine, which is neutral and non-polar, with threonine, which is neutral and polar, at codon 339 of the OCA2 protein (p.Ala339Thr). This variant is present in population databases (rs148468031, gnomAD 0.03%). This variant has not been reported in the literature in individuals affected with OCA2-related conditions. ClinVar contains an entry for this variant (Variation ID: 1512121). Invitae Evidence Modeling of protein sequence and biophysical properties (such as structural, functional, and spatial information, amino acid conservation, physicochemical variation, residue mobility, and thermodynamic stability) indicates that this missense variant is not expected to disrupt OCA2 protein function with a negative predictive value of 80%. In summary, the available evidence is currently insufficient to determine the role of this variant in disease. Therefore, it has been classified as a Variant of Uncertain Significance.